The following is an entry in ClinVar:

ClinVar aggregate classification (germline): Likely benign. Review status: criteria provided, multiple submitters, no conflicts (2 of 4 stars). 2 submissions from 2 submitters: Likely benign (2). Last evaluated 2025-06-17.

Conditions:
Inborn genetic diseases. Identifiers: MedGen C0950123, MeSH D030342.

Allele frequency attached by ClinVar (database versions not stated): gnomAD 0.00001; ExAC 0.00002; gnomAD exomes 0.00003; TOPMed 0.00003.
gnomAD v4.1: 36 of 1,610,386 alleles (0.0022%); highest among the groups gnomAD compares: African/African-American, 0.015%; no homozygotes.

Submissions (2):

Ambry Genetics
Classification: Likely benign for Inborn genetic diseases. Last evaluated: 2025-06-17. Review status: criteria provided, single submitter. Criteria: Ambry Variant Classification Scheme 2023. Collection method: clinical testing. Allele origin: germline.

CeGaT Center for Human Genetics Tuebingen
Classification: Likely benign. Last evaluated: 2022-11-01. Review status: criteria provided, single submitter. Criteria: CeGaT Center For Human Genetics Tuebingen Variant Classification Criteria Version 2. Collection method: clinical testing. Allele origin: germline. Affected: yes. Observed: 1 variant allele.
Comment: TRIO: BP4, BP7

NM_007118.4(TRIO):c.6594C>T (p.Ser2198=)

Gene: TRIO (trio Rho guanine nucleotide exchange factor; plus strand). Cytogenetic location: 5p15.2.
Variant type: single nucleotide variant.
Coding change: c.6594C>T on transcript NM_007118.4 (MANE Select); coding-DNA position 6594, C replaced by T.
Protein change: p.Ser2198=; no amino-acid change (serine 2198 retained).
Molecular consequence: synonymous variant. On other transcripts: non-coding transcript variant (1).
Genome position (GRCh38, 1-based): chr5:14,482,710, C>T. VCF-style: chr5-14482710-C-T. GRCh37 (hg19) VCF-style: chr5-14482819-C-T.
Other names: c.6594C>T (NM_007118.2).
Identifiers: ClinVar variation 2655336 (VCV002655336.25), dbSNP rs756634289, ClinGen allele CA3207163.